The following is an entry in ClinVar:

NC_012920.1(MT-ND6):m.14226G>A

Gene: MT-ND6 (mitochondrially encoded NADH dehydrogenase 6; minus strand).
Variant type: single nucleotide variant.
Genome position: chrM-14226-G-A.
Identifiers: ClinVar variation 693694 (VCV000693694.1), dbSNP rs1603224612, ClinGen allele CA414821488.

ClinVar aggregate classification (germline): Benign (1 of 4 stars; one submission).

Conditions:
Leigh syndrome (NULS). Also called: Leigh's necrotizing encephalopathy; Leigh's disease; Leigh's syndrome; LEIGH SYNDROME, NUCLEAR; Leigh Syndrome (mtDNA deletion); Leigh Disease. Identifiers: Orphanet 506, MedGen C2931891, MONDO:0009723, OMIM 256000.

Submission:

Wong Mito Lab, Molecular and Human Genetics, Baylor College of Medicine
Classification: Benign for Leigh syndrome. Last evaluated: 2019-10-17. Review status: criteria provided, single submitter. Criteria: Modified ACMG Guidelines (Unpublished). Collection method: clinical testing. Allele origin: germline.
Comment: The NC_012920.1:m.14226G>A (YP_003024037.1:p.Arg150Cys) variant in MTND6 gene is interpretated to be a Benign variant based on the modified ACMG guidelines (unpublished). This variant meets the following evidence codes: BS1, BS2, BP4